The following is an entry in ClinVar:

ClinVar aggregate classification (germline): Uncertain significance (1 of 4 stars; one submission).

Conditions:
Hypoplastic left heart syndrome. Also called: Hypoplastic left ventricle; Hypoplastic left heart. Identifiers: Orphanet 2248, MedGen C0152101, MONDO:0004933, HP:0004383.

Allele frequency attached by ClinVar (database versions not stated): gnomAD exomes below 0.00001 and 0.00001; TOPMed below 0.00001; gnomAD 0.00001.

Submission:

Labcorp Genetics (formerly Invitae), Labcorp
Classification: Uncertain significance for Hypoplastic left heart syndrome. Last evaluated: 2022-07-19. Review status: criteria provided, single submitter. Criteria: Invitae Variant Classification Sherloc (09022015). Collection method: clinical testing. Allele origin: germline.
Comment: In summary, the available evidence is currently insufficient to determine the role of this variant in disease. Therefore, it has been classified as a Variant of Uncertain Significance. Algorithms developed to predict the effect of missense changes on protein structure and function (SIFT, PolyPhen-2, Align-GVGD) all suggest that this variant is likely to be tolerated. ClinVar contains an entry for this variant (Variation ID: 1023202). This variant has not been reported in the literature in individuals affected with HAND1-related conditions. This variant is present in population databases (no rsID available, gnomAD 0.0009%). This sequence change replaces histidine, which is basic and polar, with leucine, which is neutral and non-polar, at codon 184 of the HAND1 protein (p.His184Leu).

NM_004821.3(HAND1):c.551A>T (p.His184Leu)

Gene: HAND1 (heart and neural crest derivatives expressed 1; minus strand). Cytogenetic location: 5q33.2.
Variant type: single nucleotide variant.
Coding change: c.551A>T on transcript NM_004821.3 (MANE Select); coding-DNA position 551, A replaced by T.
Protein change: p.His184Leu; replaces histidine 184 with leucine.
Molecular consequence: missense variant.
Genome position (GRCh38, 1-based): chr5:154,475,903, T>A on the plus strand (A>T on the coding strand, the complement: HAND1 is on the minus strand). VCF-style: chr5-154475903-T-A. GRCh37 (hg19) VCF-style: chr5-153855463-T-A.
Other names: short protein forms H184L.
Identifiers: ClinVar variation 1023202 (VCV001023202.9), dbSNP rs1246794989, ClinGen allele CA361920650.